The following is an entry in ClinVar:

ClinVar aggregate classification (germline): Uncertain significance. Review status: criteria provided, multiple submitters, no conflicts (2 of 4 stars). 2 submissions from 2 submitters: Uncertain significance (2). Last evaluated 2026-02-19.

Conditions:
Charcot-Marie-Tooth Neuropathy X. Identifiers: MedGen CN118851.

Submissions (2):

Women's Health and Genetics/Laboratory Corporation of America, LabCorp
Classification: Uncertain significance. Last evaluated: 2026-02-19. Review status: criteria provided, single submitter. Criteria: LabCorp Variant Classification Summary - May 2015. Collection method: clinical testing. Allele origin: germline.
Comment: Variant summary: GJB1 c.290A>G (p.His97Arg) results in a non-conservative amino acid change in the encoded protein sequence. Algorithms developed to predict the effect of missense changes on protein structure and function all suggest that this variant is likely to be disruptive. The variant was absent in 165858 control chromosomes. c.290A>G has been observed in two related individuals affected with Charcot-Marie-Tooth disease X-linked dominant 1 (Barbat du Closel_2024). These data indicate that the variant may be associated with disease. To our knowledge, no experimental evidence demonstrating an impact on protein function has been reported. The following publication has been ascertained in the context of this evaluation (PMID: 39569692). ClinVar contains an entry for this variant (Variation ID: 1518163). Based on the evidence outlined above, the variant was classified as VUS-possibly pathogenic.

Labcorp Genetics (formerly Invitae), Labcorp
Classification: Uncertain significance for Charcot-Marie-Tooth Neuropathy X. Last evaluated: 2021-03-22. Review status: criteria provided, single submitter. Criteria: Invitae Variant Classification Sherloc (09022015). Collection method: clinical testing. Allele origin: germline.
Comment: In summary, the available evidence is currently insufficient to determine the role of this variant in disease. Therefore, it has been classified as a Variant of Uncertain Significance. Algorithms developed to predict the effect of missense changes on protein structure and function are either unavailable or do not agree on the potential impact of this missense change (SIFT: "Deleterious"; PolyPhen-2: "Possibly Damaging"; Align-GVGD: "Class C0"). This variant has not been reported in the literature in individuals with GJB1-related conditions. This variant is not present in population databases (ExAC no frequency). This sequence change replaces histidine with arginine at codon 97 of the GJB1 protein (p.His97Arg). The histidine residue is highly conserved and there is a small physicochemical difference between histidine and arginine.

Literature cited by the submitters: PubMed 39569692 (cited by Women's Health and Genetics/Laboratory Corporation of America, LabCorp).

NM_000166.6(GJB1):c.290A>G (p.His97Arg)

Gene: GJB1 (gap junction protein beta 1; plus strand). Cytogenetic location: Xq13.1.
Variant type: single nucleotide variant.
Coding change: c.290A>G on transcript NM_000166.6 (MANE Select); coding-DNA position 290, A replaced by G.
Protein change: p.His97Arg; replaces histidine 97 with arginine.
Molecular consequence: missense variant.
Genome position (GRCh38, 1-based): chrX:71,223,997, A>G. VCF-style: chrX-71223997-A-G. GRCh37 (hg19) VCF-style: chrX-70443847-A-G.
Other names: c.290A>G, p.His97Arg (NM_001097642.3); short protein forms H97R.
Identifiers: ClinVar variation 1518163 (VCV001518163.9), dbSNP rs2147945782, ClinGen allele CA413501793.
Genomic context (GRCh38, chrX:71,223,997, plus strand): 5'-GGTCCCTGCAGCTCATCCTAGTTTCCACCCCAGCTCTCCTCGTGGCCATGCACGTGGCTC[A>G]CCAGCAACACATAGAGAAGAAAATGCTACGGCTTGAGGGCCATGGGGACCCCCTACACCT-3'
Protein context (NP_000157.1, residues 87-107): PALLVAMHVA[His97Arg]QQHIEKKMLR